The following is an entry in ClinVar:

NM_054027.6(ANKH):c.987C>T (p.Phe329=)

Gene: ANKH (ANKH inorganic pyrophosphate transport regulator; minus strand). Cytogenetic location: 5p15.2.
Variant type: single nucleotide variant.
Coding change: c.987C>T on transcript NM_054027.6 (MANE Select); coding-DNA position 987, C replaced by T.
Protein change: p.Phe329=; no amino-acid change (phenylalanine 329 retained).
Molecular consequence: synonymous variant.
Genome position (GRCh38, 1-based): chr5:14,741,851, G>A on the plus strand (C>T on the coding strand, the complement: ANKH is on the minus strand). VCF-style: chr5-14741851-G-A. GRCh37 (hg19) VCF-style: chr5-14741960-G-A.
Identifiers: ClinVar variation 775071 (VCV000775071.18), dbSNP rs150338234, ClinGen allele CA3208965.

ClinVar aggregate classification (germline): Benign/Likely benign. Review status: criteria provided, multiple submitters, no conflicts (2 of 4 stars). 6 submissions from 6 submitters: Benign (2); Likely benign (3). 1 of the submissions does not count toward it. Last evaluated 2025-12-08.

Conditions:
ANKH-related disorder. Also called: ANKH-related condition; ANKH-Related Disorders.
Craniometaphyseal dysplasia, autosomal dominant (CMDD). Identifiers: Orphanet 1522, MedGen C1852502, MONDO:0007397, OMIM 123000.

Allele frequency attached by ClinVar (database versions not stated): gnomAD 0.00172; TOPMed 0.00188; ESP Exome Variant Server 0.00208; 1000 Genomes Project 0.00260; 1000 Genomes Project 30x 0.00265; gnomAD exomes 0.00020 and 0.00051; ExAC 0.00065.

Submissions (6):

Labcorp Genetics (formerly Invitae), Labcorp
Classification: Benign. Last evaluated: 2025-12-08. Review status: criteria provided, single submitter. Criteria: Invitae Variant Classification Sherloc (09022015). Collection method: clinical testing. Allele origin: germline.

Blueprint Genetics
Classification: Likely benign. Last evaluated: 2024-09-09. Review status: criteria provided, single submitter. Criteria: ACMG Guidelines, 2015. Collection method: clinical testing. Allele origin: germline.

Genome-Nilou Lab
Classification: Benign for Craniometaphyseal dysplasia, autosomal dominant. Last evaluated: 2021-12-05. Review status: criteria provided, single submitter. Criteria: ACMG Guidelines, 2015. Collection method: clinical testing. Allele origin: germline. Affected: no.

GeneDx
Classification: Likely benign. Last evaluated: 2021-03-16. Review status: criteria provided, single submitter. Criteria: GeneDx Variant Classification Process June 2021. Collection method: clinical testing. Allele origin: germline. Affected: yes.

Breakthrough Genomics
Classification: Likely benign. Review status: criteria provided, single submitter. Criteria: ACMG Guidelines, 2015. Collection method: not provided. Allele origin: germline. Inheritance: Autosomal dominant inheritance. Affected: yes.

PreventionGenetics, part of Exact Sciences
Classification: Benign for ANKH-related condition. Last evaluated: 2019-06-04. Review status: no assertion criteria provided. Collection method: clinical testing. Allele origin: germline. Not counted in ClinVar's aggregate classification.
Comment: This variant is classified as benign based on ACMG/AMP sequence variant interpretation guidelines (Richards et al. 2015 PMID: 25741868, with internal and published modifications).